The following is an entry in ClinVar:

ClinVar aggregate classification (germline): Likely pathogenic (1 of 4 stars; one submission).

Conditions:
IKBKB-related disorder. Also called: IKBKB-related condition.

Allele frequency attached by ClinVar (database versions not stated): gnomAD exomes below 0.00001.
gnomAD v4.1: 3 of 1,612,942 alleles (0.00019%); highest among the groups gnomAD compares: Non-Finnish European, 0.00025%; no homozygotes.

Submission:

PreventionGenetics, part of Exact Sciences
Classification: Likely pathogenic for IKBKB-related condition. Last evaluated: 2022-08-30. Review status: criteria provided, single submitter. Criteria: ACMG Guidelines, 2015. Collection method: clinical testing. Allele origin: germline.
Comment: The IKBKB c.1241-2A>C variant is predicted to disrupt the AG splice acceptor site and interfere with normal splicing. To our knowledge, this variant has not been reported in the literature or in a large population database, indicating this variant is rare. Variants that disrupt the consensus splice acceptor site in IKBKB are expected to be pathogenic. This variant is interpreted as likely pathogenic.

NM_001556.3(IKBKB):c.1241-2A>C

Gene: IKBKB (inhibitor of nuclear factor kappa B kinase subunit beta; plus strand). Cytogenetic location: 8p11.21.
Variant type: single nucleotide variant.
Coding change: c.1241-2A>C on transcript NM_001556.3 (MANE Select); the canonical splice acceptor site of the intron before coding-DNA position 1241, A replaced by C.
Molecular consequence: splice acceptor variant.
Genome position (GRCh38, 1-based): chr8:42,318,550, A>C. VCF-style: chr8-42318550-A-C. GRCh37 (hg19) VCF-style: chr8-42176068-A-C.
Other names: c.1064-2A>C (NM_001242778.2); c.1049-2A>C (NM_001190720.3).
Identifiers: ClinVar variation 2636460 (VCV002636460.1), dbSNP rs2487679210, ClinGen allele CA371087725.
Genomic context (GRCh38, chr8:42,318,550, plus strand): 5'-GGTTAATTGTAGGAGAGTTATTGTGGTTATTCTTTGACAATTGCTTGTGTCTCTGTCTCC[A>C]GTTCAAGAGCCCAAGAGGAATCTCGCCTTCTTCCAGCTGAGGAAGGTGTGGGGCCAGGTC-3'